The following is an entry in ClinVar:

NM_001458.5(FLNC):c.1503_1504dup (p.Lys502fs)

Gene: FLNC (filamin C; plus strand). Cytogenetic location: 7q32.1.
Variant type: Duplication.
Coding change: c.1503_1504dup on transcript NM_001458.5 (MANE Select); coding-DNA positions 1503 to 1504, 2 bases duplicated (CA; older notation c.1503_1504dupCA).
Protein change: p.Lys502fs; shifts the reading frame from lysine 502.
Molecular consequence: frameshift variant.
Genome position (GRCh38, 1-based): chr7:128,840,114-128,840,115, CA duplicated. VCF-style (leftmost placement, unchanged base first): chr7-128840113-C-CCA. GRCh37 (hg19) VCF-style: chr7-128480167-C-CCA.
Other names: c.1503_1504dup, p.Lys502fs (NM_001127487.2); short protein forms K502fs.
Identifiers: ClinVar variation 1450068 (VCV001450068.6), dbSNP rs2128934883, ClinGen allele CA2573141703.

ClinVar aggregate classification (germline): Pathogenic (1 of 4 stars; one submission).

Conditions:
Hypertrophic cardiomyopathy 26. Also called: Cardiomyopathy, familial hypertrophic, 26. Identifiers: Orphanet 75249, MedGen C4310749, MONDO:0014883, OMIM 617047.
Myofibrillar myopathy 5. Also called: Filaminopathy (type); FILAMINOPATHY, AUTOSOMAL DOMINANT. Identifiers: Orphanet 171445, MedGen C1836050, MONDO:0012289, OMIM 609524.
Distal myopathy with posterior leg and anterior hand involvement. Also called: WILLIAMS DISTAL MYOPATHY. Identifiers: Orphanet 63273, MedGen C3279722, MONDO:0013550, OMIM 614065.

Submission:

Labcorp Genetics (formerly Invitae), Labcorp
Classification: Pathogenic for Distal myopathy with posterior leg and anterior hand involvement; Myofibrillar myopathy 5; Hypertrophic cardiomyopathy 26. Last evaluated: 2021-07-04. Review status: criteria provided, single submitter. Criteria: Invitae Variant Classification Sherloc (09022015). Collection method: clinical testing. Allele origin: germline.
Comment: This sequence change creates a premature translational stop signal (p.Lys502Thrfs*23) in the FLNC gene. It is expected to result in an absent or disrupted protein product. Loss-of-function variants in FLNC are known to be pathogenic (PMID: 27908349). This variant is not present in population databases (ExAC no frequency). This variant has not been reported in the literature in individuals affected with FLNC-related conditions. For these reasons, this variant has been classified as Pathogenic.

Literature cited by the submitters: PubMed 27908349.